The following is an entry in ClinVar:

NM_004183.4(BEST1):c.418C>G (p.Leu140Val)

Gene: BEST1 (bestrophin 1; plus strand). Cytogenetic location: 11q12.3.
Variant type: single nucleotide variant.
Coding change: c.418C>G on transcript NM_004183.4 (MANE Select); coding-DNA position 418, C replaced by G.
Protein change: p.Leu140Val; replaces leucine 140 with valine.
Molecular consequence: missense variant. On other transcripts: non-coding transcript variant (1).
Genome position (GRCh38, 1-based): chr11:61,955,888, C>G. VCF-style: chr11-61955888-C-G. GRCh37 (hg19) VCF-style: chr11-61723360-C-G.
Other names: c.238C>G, p.Leu80Val (NM_001139443.3, NM_001300786.2, NM_001300787.2); c.100C>G, p.Leu34Val (NM_001363591.3); c.418C>G, p.Leu140Val (NM_001363592.2); c.-758C>G (NM_001363593.3); short protein forms L140V, L34V, L80V.
Identifiers: ClinVar variation 2750 (VCV000002750.14), dbSNP rs267606678, ClinGen allele CA252412.
Genomic context (GRCh38, chr11:61,955,888, plus strand): 5'-CAAGGCCGGCTGCTGCGGCGCACGCTCATCCGCTACGCCAACCTGGGCAACGTGCTCATC[C>G]TGCGCAGCGTCAGCACCGCAGTCTACAAGCGCTTCCCCAGCGCCCAGCACCTGGTGCAAG-3'
Protein context (NP_004174.1, residues 130-150): RYANLGNVLI[Leu140Val]RSVSTAVYKR

ClinVar aggregate classification (germline): Conflicting classifications of pathogenicity. Review status: criteria provided, conflicting classifications (1 of 4 stars). 5 submissions from 5 submitters: Pathogenic (1); Likely pathogenic (1); Uncertain significance (1). 2 of the submissions do not count toward it. Last evaluated 2025-03-26.

Conditions:
Retinal dystrophy. Also called: Inherited retinal dystrophy. Identifiers: Orphanet 71862, MedGen C0854723, MeSH D058499, MONDO:0019118, HP:0000556.
Autosomal recessive bestrophinopathy. Also called: Autosomal Recessive Bestrophinopathy (ARB). Identifiers: Orphanet 139455, MedGen C3888198, MONDO:0012733, OMIM 611809.

Allele frequency attached by ClinVar (database versions not stated): gnomAD exomes 0.00001 and 0.00003.

Submissions (5):

3billion
Classification: Likely pathogenic for Autosomal recessive bestrophinopathy. Last evaluated: 2025-03-26. Review status: criteria provided, single submitter. Criteria: ACMG Guidelines, 2015. Collection method: clinical testing. Allele origin: germline. Affected: yes.

Labcorp Genetics (formerly Invitae), Labcorp
Classification: Pathogenic. Last evaluated: 2024-12-13. Review status: criteria provided, single submitter. Criteria: Invitae Variant Classification Sherloc (09022015). Collection method: clinical testing. Allele origin: germline.
Comment: This sequence change replaces leucine, which is neutral and non-polar, with valine, which is neutral and non-polar, at codon 140 of the BEST1 protein (p.Leu140Val). This variant is present in population databases (rs267606678, gnomAD 0.02%). This missense change has been observed in individuals with clinical features of autosomal recessive bestrophinopathy (PMID: 19853238, 32239196). ClinVar contains an entry for this variant (Variation ID: 2750). Invitae Evidence Modeling of protein sequence and biophysical properties (such as structural, functional, and spatial information, amino acid conservation, physicochemical variation, residue mobility, and thermodynamic stability) indicates that this missense variant is expected to disrupt BEST1 protein function with a positive predictive value of 95%. Experimental studies have shown that this missense change affects BEST1 function (PMID: 19853238, 21330666, 24560797). For these reasons, this variant has been classified as Pathogenic.

Eurofins Ntd Llc (ga)
Classification: Uncertain significance. Last evaluated: 2016-10-14. Review status: criteria provided, single submitter. Criteria: EGL Classification Definitions 2015. Collection method: clinical testing. Allele origin: germline. Observed: 2 variant alleles, 2 heterozygotes.

Department of Clinical Genetics, Copenhagen University Hospital, Rigshospitalet
Classification: Pathogenic for Retinal dystrophy. Last evaluated: 2018-04-01. Review status: no assertion criteria provided. Collection method: research. Allele origin: unknown. Affected: yes. Study: VeluxRD. Not counted in ClinVar's aggregate classification.

OMIM
Classification: Pathogenic for BESTROPHINOPATHY, AUTOSOMAL RECESSIVE. Last evaluated: 2009-11-01. Review status: no assertion criteria provided. Collection method: literature only. Allele origin: germline. Not counted in ClinVar's aggregate classification.

Literature cited by the submitters: PubMed 10798642 (cited by 3billion); PubMed 19853238 (cited by 3 submitters); PubMed 32239196 (cited by Labcorp Genetics (formerly Invitae), Labcorp and OMIM); PubMed 21330666 (cited by Labcorp Genetics (formerly Invitae), Labcorp); PubMed 24560797 (cited by Labcorp Genetics (formerly Invitae), Labcorp); PubMed 30718709 (cited by Department of Clinical Genetics, Copenhagen University Hospital, Rigshospitalet).